The following is an entry in ClinVar:

NM_016247.4(IMPG2):c.3706CAA[1] (p.Gln1237del)

Gene: IMPG2 (interphotoreceptor matrix proteoglycan 2; minus strand). Cytogenetic location: 3q12.3.
Variant type: Microsatellite.
Coding change: c.3706CAA[1] on transcript NM_016247.4 (MANE Select); one copy of the 3-base unit CAA starting at c.3706; the reference has two copies in a row; one copy, 3 bases deleted.
Protein change: p.Gln1237del; deletes glutamine 1237.
Molecular consequence: inframe deletion.
Genome position (GRCh38, 1-based): chr3:101,228,799-101,228,801, TTG deleted on the plus strand (CAA on the coding strand, the reverse complement: IMPG2 is on the minus strand); deleting any 3 consecutive bases within chr3:101,228,799-101,228,804 gives the same sequence; the position shown is the placement nearest the transcript's 3' end. VCF-style (leftmost placement, unchanged base first): chr3-101228798-CTTG-C. GRCh37 (hg19) VCF-style: chr3-100947642-CTTG-C.
Other names: short protein forms Q1237del.
Identifiers: ClinVar variation 1002947 (VCV001002947.9), dbSNP rs759574080, ClinGen allele CA2518677.

ClinVar aggregate classification (germline): Uncertain significance. Review status: criteria provided, multiple submitters, no conflicts (2 of 4 stars). 4 submissions from 4 submitters: Uncertain significance (4). Last evaluated 2026-05-14.

Conditions:
IMPG2-related disorder. Also called: IMPG2-related condition.

Submissions (4):

PreventionGenetics, part of Exact Sciences
Classification: Uncertain significance for IMPG2-related condition. Last evaluated: 2026-05-14. Review status: criteria provided, single submitter. Criteria: ACMG Guidelines, 2015. Collection method: clinical testing. Allele origin: germline.
Comment: The IMPG2 c.3709_3711delCAA variant is predicted to result in an in-frame deletion (p.Gln1237del). To our knowledge, this variant has not been reported in the literature. This variant is reported in 0.0065% of alleles in individuals of South Asian descent in gnomAD. At this time, the clinical significance of this variant is uncertain due to the absence of conclusive functional and genetic evidence.

Blueprint Genetics
Classification: Uncertain significance. Last evaluated: 2024-10-01. Review status: criteria provided, single submitter. Criteria: ACMG Guidelines, 2015. Collection method: clinical testing. Allele origin: germline.

Labcorp Genetics (formerly Invitae), Labcorp
Classification: Uncertain significance. Last evaluated: 2022-02-23. Review status: criteria provided, single submitter. Criteria: Invitae Variant Classification Sherloc (09022015). Collection method: clinical testing. Allele origin: germline.
Comment: This variant, c.3709_3711del, results in the deletion of 1 amino acid(s) of the IMPG2 protein (p.Gln1237del), but otherwise preserves the integrity of the reading frame. This variant is present in population databases (rs759574080, gnomAD 0.006%). This variant has not been reported in the literature in individuals affected with IMPG2-related conditions. ClinVar contains an entry for this variant (Variation ID: 1002947). Experimental studies and prediction algorithms are not available or were not evaluated, and the functional significance of this variant is currently unknown. Algorithms developed to predict the effect of sequence changes on RNA splicing suggest that this variant may disrupt the consensus splice site. In summary, the available evidence is currently insufficient to determine the role of this variant in disease. Therefore, it has been classified as a Variant of Uncertain Significance.

GeneDx
Classification: Uncertain significance. Last evaluated: 2019-11-05. Review status: criteria provided, single submitter. Criteria: GeneDx Variant Classification Process June 2021. Collection method: clinical testing. Allele origin: germline. Affected: yes.
Comment: In-frame deletion of 1 amino acid in a non-repeat region; In silico analysis, which includes protein predictors and evolutionary conservation, supports a deleterious effect; Has not been previously published as pathogenic or benign to our knowledge